The following is an entry in ClinVar:

NM_006070.6(TFG):c.981A>G (p.Gln327=)

Gene: TFG (trafficking from ER to golgi regulator; plus strand). Cytogenetic location: 3q12.2.
Variant type: single nucleotide variant.
Coding change: c.981A>G on transcript NM_006070.6 (MANE Select); coding-DNA position 981, A replaced by G.
Protein change: p.Gln327=; no amino-acid change (glutamine 327 retained).
Molecular consequence: synonymous variant.
Genome position (GRCh38, 1-based): chr3:100,748,309, A>G. VCF-style: chr3-100748309-A-G. GRCh37 (hg19) VCF-style: chr3-100467153-A-G.
Other names: c.981A>G, p.Gln327= (NM_001007565.2, NM_001195478.2); c.969A>G, p.Gln323= (NM_001195479.2).
Identifiers: ClinVar variation 517710 (VCV000517710.10), dbSNP rs759578675, ClinGen allele CA2517239.
Genomic context (GRCh38, chr3:100,748,309, plus strand): 5'-GCCTCAACAACTGCCTGCTCAGCCGCCACAGCAGTACCAGGCGAGCAATTATCCTGCACA[A>G]ACTTACACTGCCCAAACTTCTCAGCCTACTAATTATACTGTGGCTCCTGCCTCTCAACCT-3'
Protein context (NP_006061.2, residues 317-337): QQYQASNYPA[Gln327=]TYTAQTSQPT

ClinVar aggregate classification (germline): Likely benign. Review status: criteria provided, multiple submitters, no conflicts (2 of 4 stars). 3 submissions from 3 submitters: Likely benign (3). Last evaluated 2025-05-14.

Conditions:
Inborn genetic diseases. Identifiers: MedGen C0950123, MeSH D030342.
Hereditary spastic paraplegia 57. Also called: Spastic paraplegia 57, autosomal recessive. Identifiers: Orphanet 431329, MedGen C3714897, MONDO:0014295, OMIM 615658.
Hereditary motor and sensory neuropathy, Okinawa type (HMSNO). Also called: HEREDITARY MOTOR AND SENSORY NEUROPATHY, PROXIMAL TYPE. Identifiers: Orphanet 90117, MedGen C1858338, MONDO:0011468, OMIM 604484.

Allele frequency attached by ClinVar (database versions not stated): ExAC 0.00001; gnomAD 0.00001; gnomAD exomes 0.00001 and 0.00004.
gnomAD v4.1: 27 of 1,613,812 alleles (0.0017%); highest among the groups gnomAD compares: East Asian, 0.058%; no homozygotes.

Submissions (3):

Labcorp Genetics (formerly Invitae), Labcorp
Classification: Likely benign for Hereditary motor and sensory neuropathy, Okinawa type; Hereditary spastic paraplegia 57. Last evaluated: 2025-05-14. Review status: criteria provided, single submitter. Criteria: Invitae Variant Classification Sherloc (09022015). Collection method: clinical testing. Allele origin: germline.

Ambry Genetics
Classification: Likely benign for Inborn genetic diseases. Last evaluated: 2019-07-11. Review status: criteria provided, single submitter. Criteria: Ambry Variant Classification Scheme 2023. Collection method: clinical testing. Allele origin: germline.

GeneDx
Classification: Likely benign. Last evaluated: 2017-02-08. Review status: criteria provided, single submitter. Criteria: GeneDx Variant Classification (06012015). Collection method: clinical testing. Allele origin: germline. Affected: yes.
Comment: This variant is considered likely benign or benign based on one or more of the following criteria: it is a conservative change, it occurs at a poorly conserved position in the protein, it is predicted to be benign by multiple in silico algorithms, and/or has population frequency not consistent with disease.